The following is an entry in ClinVar:

NM_004336.5(BUB1):c.38C>T (p.Ala13Val)

Gene: BUB1 (BUB1 mitotic checkpoint serine/threonine kinase; minus strand). Cytogenetic location: 2q13.
Variant type: single nucleotide variant.
Coding change: c.38C>T on transcript NM_004336.5 (MANE Select); coding-DNA position 38, C replaced by T.
Protein change: p.Ala13Val; replaces alanine 13 with valine.
Molecular consequence: missense variant. On other transcripts: intron variant (1).
Genome position (GRCh38, 1-based): chr2:110,674,354, G>A on the plus strand (C>T on the coding strand, the complement: BUB1 is on the minus strand). VCF-style: chr2-110674354-G-A. GRCh37 (hg19) VCF-style: chr2-111431931-G-A.
Other names: c.38C>T, p.Ala13Val (NM_001278617.2); c.27-130C>T (NM_001278616.2); short protein forms A13V.
Identifiers: ClinVar variation 2451275 (VCV002451275.2), dbSNP rs1322086360, ClinGen allele CA348221911.
Genomic context (GRCh38, chr2:110,674,354, plus strand): 5'-CTAAATGCTGACCTTTCCCATTCACCAAGAGGGTCATTGCCCTTGTAGCTCTGCATGTGG[G>A]CTTCAAGCATCCTAGAAGAGAGAAAGGTATGCACATGGGATATTAGGGATAATTTCTACA-3'
Protein context (NP_004327.1, residues 3-23): TPENVLQMLE[Ala13Val]HMQSYKGNDP

ClinVar aggregate classification (germline): Uncertain significance (1 of 4 stars; one submission).

gnomAD v4.1: 1 of 1,613,928 alleles (0.000062%); highest among the groups gnomAD compares: South Asian, 0.0011%; no homozygotes.

Submission:

Ambry Genetics
Classification: Uncertain significance. Last evaluated: 2023-02-20. Review status: criteria provided, single submitter. Criteria: Ambry Variant Classification Scheme 2023. Collection method: clinical testing. Allele origin: germline.
Comment: The p.A13V variant (also known as c.38C>T), located in coding exon 2 of the BUB1 gene, results from a C to T substitution at nucleotide position 38. The alanine at codon 13 is replaced by valine, an amino acid with similar properties. This amino acid position is conserved. In addition, this alteration is predicted to be tolerated by in silico analysis. Since supporting evidence is limited at this time, the clinical significance of this alteration remains unclear.